The following is an entry in ClinVar:

ClinVar aggregate classification (germline): Uncertain significance (1 of 4 stars; one submission).

Conditions:
Cardiovascular phenotype. Identifiers: MedGen CN230736.

gnomAD v4.1: 1 of 1,613,738 alleles (0.000062%); highest among the groups gnomAD compares: East Asian, 0.0022%; no homozygotes.

Submission:

Ambry Genetics
Classification: Uncertain significance for Cardiovascular phenotype. Last evaluated: 2026-07-21. Review status: criteria provided, single submitter. Criteria: Ambry Variant Classification Scheme 2023. Collection method: clinical testing. Allele origin: germline.
Comment: The p.Y3010C variant (also known as c.9029A>G), located in coding exon 37 of the AKAP9 gene, results from an A to G substitution at nucleotide position 9029. The tyrosine at codon 3010 is replaced by cysteine, an amino acid with highly dissimilar properties. This amino acid position is conserved. In addition, this alteration is predicted to be tolerated by in silico analysis. Based on the available evidence, the clinical significance of this variant remains unclear.

NM_005751.5(AKAP9):c.9029A>G (p.Tyr3010Cys)

Gene: AKAP9 (A-kinase anchoring protein 9; plus strand). Cytogenetic location: 7q21.2.
Variant type: single nucleotide variant.
Coding change: c.9029A>G on transcript NM_005751.5 (MANE Select); coding-DNA position 9029, A replaced by G.
Protein change: p.Tyr3010Cys; replaces tyrosine 3010 with cysteine.
Molecular consequence: missense variant.
Genome position (GRCh38, 1-based): chr7:92,086,232, A>G. VCF-style: chr7-92086232-A-G. GRCh37 (hg19) VCF-style: chr7-91715546-A-G.
Other names: c.3674A>G, p.Tyr1225Cys (NM_001379277.1); c.9005A>G, p.Tyr3002Cys (NM_147185.3); short protein forms Y3010C, Y1225C, Y3002C.
Identifiers: ClinVar variation 5033984 (VCV005033984.1).